The following is an entry in ClinVar:

ClinVar aggregate classification (germline): Uncertain significance (1 of 4 stars; one submission).

Submission:

Labcorp Genetics (formerly Invitae), Labcorp
Classification: Uncertain significance. Last evaluated: 2024-12-16. Review status: criteria provided, single submitter. Criteria: Invitae Variant Classification Sherloc (09022015). Collection method: clinical testing. Allele origin: germline.
Comment: This sequence change replaces asparagine, which is neutral and polar, with lysine, which is basic and polar, at codon 907 of the ROBO2 protein (p.Asn907Lys). This variant is not present in population databases (gnomAD no frequency). This variant has not been reported in the literature in individuals affected with ROBO2-related conditions. Invitae Evidence Modeling of protein sequence and biophysical properties (such as structural, functional, and spatial information, amino acid conservation, physicochemical variation, residue mobility, and thermodynamic stability) indicates that this missense variant is not expected to disrupt ROBO2 protein function with a negative predictive value of 95%. In summary, the available evidence is currently insufficient to determine the role of this variant in disease. Therefore, it has been classified as a Variant of Uncertain Significance.

NM_001395656.1(ROBO2):c.2733T>A (p.Asn911Lys)

Gene: ROBO2 (roundabout guidance receptor 2; plus strand). Cytogenetic location: 3p12.3.
Variant type: single nucleotide variant.
Coding change: c.2733T>A on transcript NM_001395656.1 (MANE Select); coding-DNA position 2733, T replaced by A.
Protein change: p.Asn911Lys; replaces asparagine 911 with lysine.
Molecular consequence: missense variant.
Genome position (GRCh38, 1-based): chr3:77,595,179, T>A. VCF-style: chr3-77595179-T-A. GRCh37 (hg19) VCF-style: chr3-77644330-T-A.
Other names: c.2781T>A, p.Asn927Lys (NM_001378191.1, NM_001378190.1, NM_001378195.1 and 4 more transcripts); c.2802T>A, p.Asn934Lys (NM_001378192.1, NM_001378194.1, NM_001378198.1 and 2 more transcripts); c.2733T>A, p.Asn911Lys (NM_001290040.2, NM_001290039.2, NM_001378202.1); c.2721T>A, p.Asn907Lys (NM_001378193.1, NM_002942.5, NM_001378197.1); c.942T>A, p.Asn314Lys (NM_001290065.2); c.2769T>A, p.Asn923Lys (NM_001128929.3); c.2790T>A, p.Asn930Lys (NM_001394214.1, NM_001395657.1, NM_001394212.1); short protein forms N927K, N934K, N911K, N314K, N907K, N923K, N930K.
Identifiers: ClinVar variation 3635767 (VCV003635767.2).